The following is an entry in ClinVar:

NM_000548.5(TSC2):c.3130A>G (p.Arg1044Gly)

Gene: TSC2 (TSC complex subunit 2; plus strand). Cytogenetic location: 16p13.3.
Variant type: single nucleotide variant.
Coding change: c.3130A>G on transcript NM_000548.5 (MANE Select); coding-DNA position 3130, A replaced by G.
Protein change: p.Arg1044Gly; replaces arginine 1044 with glycine.
Molecular consequence: missense variant. On other transcripts: non-coding transcript variant (5).
Genome position (GRCh38, 1-based): chr16:2,079,195, A>G. VCF-style: chr16-2079195-A-G. GRCh37 (hg19) VCF-style: chr16-2129196-A-G.
Other names: c.2998A>G, p.Arg1000Gly (NM_001077183.3, NM_001370404.1, NM_001406665.1); c.3130A>G, p.Arg1044Gly (NM_001114382.3); c.2890A>G, p.Arg964Gly (NM_001318827.2); c.2854A>G, p.Arg952Gly (NM_001318829.2); c.2398A>G, p.Arg800Gly (NM_001318831.2, NM_001406687.1, NM_001406688.1); c.3031A>G, p.Arg1011Gly (NM_001318832.2); c.3001A>G, p.Arg1001Gly (NM_001363528.2, NM_001370405.1, NM_021055.3); c.3127A>G, p.Arg1043Gly (NM_001406663.1, NM_001406664.1); and 18 more; short protein forms R1011G, R1031G, R1043G, R552G, R800G, R844G, R952G, R964G.
Identifiers: ClinVar variation 2762086 (VCV002762086.3), dbSNP rs2151435222, ClinGen allele CA394285010.

ClinVar aggregate classification (germline): Uncertain significance (1 of 4 stars; one submission).

Conditions:
Tuberous sclerosis 2 (TSC2). Identifiers: Orphanet 805, MedGen C1860707, MONDO:0013199, OMIM 613254.

Submission:

Labcorp Genetics (formerly Invitae), Labcorp
Classification: Uncertain significance for Tuberous sclerosis 2. Last evaluated: 2025-11-18. Review status: criteria provided, single submitter. Criteria: Invitae Variant Classification Sherloc (09022015). Collection method: clinical testing. Allele origin: germline.
Comment: This sequence change replaces arginine, which is basic and polar, with glycine, which is neutral and non-polar, at codon 1044 of the TSC2 protein (p.Arg1044Gly). This variant is not present in population databases (gnomAD no frequency). This missense change has been observed in individual(s) with tuberous sclerosis complex (internal data). ClinVar contains an entry for this variant (Variation ID: 2762086). An algorithm developed to predict the effect of missense changes on protein structure and function (PolyPhen-2) suggests that this variant is likely to be disruptive. Algorithms developed to predict the effect of sequence changes on RNA splicing suggest that this variant may disrupt the consensus splice site. In summary, the available evidence is currently insufficient to determine the role of this variant in disease. Therefore, it has been classified as a Variant of Uncertain Significance.